The following is an entry in ClinVar:

NM_022124.6(CDH23):c.8609C>T (p.Ala2870Val)

Gene: CDH23 (cadherin related 23; plus strand). Cytogenetic location: 10q22.1.
Variant type: single nucleotide variant.
Coding change: c.8609C>T on transcript NM_022124.6 (MANE Select); coding-DNA position 8609, C replaced by T.
Protein change: p.Ala2870Val; replaces alanine 2870 with valine.
Molecular consequence: missense variant.
Genome position (GRCh38, 1-based): chr10:71,807,894, C>T. VCF-style: chr10-71807894-C-T. GRCh37 (hg19) VCF-style: chr10-73567651-C-T.
Other names: c.1889C>T, p.Ala630Val (NM_001171933.1, NM_001171934.1); short protein forms A2870V, A630V.
Identifiers: ClinVar variation 1431120 (VCV001431120.6), dbSNP rs1168332101, ClinGen allele CA377132130.
Genomic context (GRCh38, chr10:71,807,894, plus strand): 5'-CTCTTCCTGCAGGGGTGGCCACCGACGCCAAGGTGGGCTCAGAGTTGATCCAGGTGCTGG[C>T]CCTGGATGCAGACATTGGCAACAACAGCCTTGTCTTCTACAGCATTCTGGCCATCCACTA-3'
Protein context (NP_071407.4, residues 2860-2880): KVGSELIQVL[Ala2870Val]LDADIGNNSL

ClinVar aggregate classification (germline): Conflicting classifications of pathogenicity. Review status: criteria provided, conflicting classifications (1 of 4 stars). 3 submissions from 3 submitters: Likely pathogenic (1); Uncertain significance (2). Last evaluated 2022-04-25.

Conditions:
Autosomal recessive nonsyndromic hearing loss 12. Also called: DEAFNESS, AUTOSOMAL RECESSIVE 12. Identifiers: Orphanet 90636, MedGen C1832394, MONDO:0011067, OMIM 601386.

Allele frequency attached by ClinVar (database versions not stated): gnomAD exomes below 0.00001.
gnomAD v4.1: 1 of 1,603,780 alleles (0.000062%); highest among the groups gnomAD compares: Non-Finnish European, 0.000085%; no homozygotes.

Submissions (3):

Labcorp Genetics (formerly Invitae), Labcorp
Classification: Uncertain significance. Last evaluated: 2022-04-25. Review status: criteria provided, single submitter. Criteria: Invitae Variant Classification Sherloc (09022015). Collection method: clinical testing. Allele origin: germline.
Comment: This sequence change replaces alanine, which is neutral and non-polar, with valine, which is neutral and non-polar, at codon 2870 of the CDH23 protein (p.Ala2870Val). This variant is not present in population databases (gnomAD no frequency). This variant has not been reported in the literature in individuals affected with CDH23-related conditions. Algorithms developed to predict the effect of missense changes on protein structure and function are either unavailable or do not agree on the potential impact of this missense change (SIFT: "Deleterious"; PolyPhen-2: "Not Available"; Align-GVGD: "Class C0"). In summary, the available evidence is currently insufficient to determine the role of this variant in disease. Therefore, it has been classified as a Variant of Uncertain Significance.

Laboratorio de Genetica e Diagnostico Molecular, Hospital Israelita Albert Einstein
Classification: Uncertain significance. Last evaluated: 2021-08-12. Review status: criteria provided, single submitter. Criteria: ACMG Guidelines, 2015. Collection method: clinical testing. Allele origin: germline. Affected: yes.
Comment: ACMG classification criteria: PM2

Clinical Genetics Service, Universitary Hospital 12 de Octubre
Classification: Likely pathogenic for Autosomal recessive nonsyndromic hearing loss 12. Review status: criteria provided, single submitter. Criteria: ACMG Guidelines, 2015. Collection method: clinical testing. Allele origin: paternal. Affected: yes.